The following is an entry in ClinVar:

NM_004982.4(KCNJ8):c.1236T>G (p.Phe412Leu)

Genes: KCNJ8 (potassium inwardly rectifying channel subfamily J member 8; minus strand), KCNJ8-AS1 (KCNJ8 antisense RNA 1; plus strand). Cytogenetic location: 12p12.1.
Variant type: single nucleotide variant.
Coding change: c.1236T>G on transcript NM_004982.4 (MANE Select); coding-DNA position 1236, T replaced by G.
Protein change: p.Phe412Leu; replaces phenylalanine 412 with leucine.
Molecular consequence: missense variant.
Genome position (GRCh38, 1-based): chr12:21,765,762, A>C on the plus strand (T>G on the coding strand, the complement: KCNJ8 is on the minus strand). VCF-style: chr12-21765762-A-C. GRCh37 (hg19) VCF-style: chr12-21918696-A-C.
Other names: short protein forms F412L.
Identifiers: ClinVar variation 2799322 (VCV002799322.3), dbSNP rs754525019, ClinGen allele CA384120977.

ClinVar aggregate classification (germline): Uncertain significance (1 of 4 stars; one submission).

Conditions:
Brugada syndrome. Also called: Sudden unexpected nocturnal death syndrome; Sudden Unexplained Death Syndrome; Sudden Unexplained Nocturnal Death Syndrome (SUNDS); Sudden unexplained nocturnal death syndrome. Identifiers: Orphanet 130, MedGen C1142166, MONDO:0015263.

Submission:

Labcorp Genetics (formerly Invitae), Labcorp
Classification: Uncertain significance for Brugada syndrome. Last evaluated: 2023-10-04. Review status: criteria provided, single submitter. Criteria: Invitae Variant Classification Sherloc (09022015). Collection method: clinical testing. Allele origin: germline.
Comment: This sequence change replaces phenylalanine, which is neutral and non-polar, with leucine, which is neutral and non-polar, at codon 412 of the KCNJ8 protein (p.Phe412Leu). This variant is not present in population databases (gnomAD no frequency). This variant has not been reported in the literature in individuals affected with KCNJ8-related conditions. Advanced modeling of protein sequence and biophysical properties (such as structural, functional, and spatial information, amino acid conservation, physicochemical variation, residue mobility, and thermodynamic stability) performed at Invitae indicates that this missense variant is not expected to disrupt KCNJ8 protein function. In summary, the available evidence is currently insufficient to determine the role of this variant in disease. Therefore, it has been classified as a Variant of Uncertain Significance.